The following is an entry in ClinVar:

NM_199420.4(POLQ):c.6970G>C (p.Gly2324Arg)

Gene: POLQ (DNA polymerase theta; minus strand). Cytogenetic location: 3q13.33.
Variant type: single nucleotide variant.
Coding change: c.6970G>C on transcript NM_199420.4 (MANE Select); coding-DNA position 6970, G replaced by C.
Protein change: p.Gly2324Arg; replaces glycine 2324 with arginine.
Molecular consequence: missense variant.
Genome position (GRCh38, 1-based): chr3:121,460,232, C>G on the plus strand (G>C on the coding strand, the complement: POLQ is on the minus strand). VCF-style: chr3-121460232-C-G. GRCh37 (hg19) VCF-style: chr3-121179079-C-G.
Other names: short protein forms G2324R.
Identifiers: ClinVar variation 2448930 (VCV002448930.2), dbSNP rs1560089757, ClinGen allele CA354107952.

ClinVar aggregate classification (germline): Uncertain significance (1 of 4 stars; one submission).

gnomAD v4.1: 1 of 1,608,476 alleles (0.000062%); no homozygotes.

Submission:

Ambry Genetics
Classification: Uncertain significance. Last evaluated: 2022-12-07. Review status: criteria provided, single submitter. Criteria: Ambry Variant Classification Scheme 2023. Collection method: clinical testing. Allele origin: germline.
Comment: The p.G2324R variant (also known as c.6970G>C), located in coding exon 25 of the POLQ gene, results from a G to C substitution at nucleotide position 6970. The glycine at codon 2324 is replaced by arginine, an amino acid with dissimilar properties. This amino acid position is conserved. In addition, this alteration is predicted to be deleterious by in silico analysis. Since supporting evidence is limited at this time, the clinical significance of this alteration remains unclear.